The following is an entry in ClinVar:

ClinVar aggregate classification (germline): Conflicting classifications of pathogenicity. Review status: criteria provided, conflicting classifications (1 of 4 stars). 3 submissions from 3 submitters: Uncertain significance (1); Likely benign (2). Last evaluated 2024-05-22.

Conditions:
Hereditary cancer-predisposing syndrome. Also called: Neoplastic Syndromes, Hereditary; Tumor predisposition; Hereditary Cancer Syndrome; Hereditary neoplastic syndrome. Identifiers: Orphanet 140162, MedGen C0027672, MeSH D009386, MONDO:0015356.
Tumor predisposition syndrome 3 (TPDS3). Also called: Melanoma, cutaneous malignant, susceptibility to, 10; Glioma susceptibility 9; LONG TELOMERE SYNDROME, POT1-RELATED; POT1 Tumor Predisposition. Identifiers: Orphanet 618, MedGen C4014476, MONDO:0014368, OMIM 615848.

Allele frequency attached by ClinVar (database versions not stated): gnomAD 0.00001; TOPMed 0.00002.
gnomAD v4.1: 1 of 1,608,414 alleles (0.000062%); highest among the groups gnomAD compares: African/African-American, 0.0013%; no homozygotes.

Submissions (3):

Ambry Genetics
Classification: Likely benign for Hereditary cancer-predisposing syndrome. Last evaluated: 2024-05-22. Review status: criteria provided, single submitter. Criteria: Ambry Variant Classification Scheme 2023. Collection method: clinical testing. Allele origin: germline.

GeneDx
Classification: Uncertain significance. Last evaluated: 2023-05-23. Review status: criteria provided, single submitter. Criteria: GeneDx Variant Classification Process June 2021. Collection method: clinical testing. Allele origin: germline. Affected: yes.
Comment: Not observed at significant frequency in large population cohorts (gnomAD); In silico analysis supports that this variant does not alter splicing; Has not been previously published as pathogenic or benign to our knowledge

Labcorp Genetics (formerly Invitae), Labcorp
Classification: Likely benign for Tumor predisposition syndrome 3. Last evaluated: 2023-04-15. Review status: criteria provided, single submitter. Criteria: Invitae Variant Classification Sherloc (09022015). Collection method: clinical testing. Allele origin: germline.

NM_015450.3(POT1):c.1836C>T (p.Val612=)

Gene: POT1 (protection of telomeres 1; minus strand). Cytogenetic location: 7q31.33.
Variant type: single nucleotide variant.
Coding change: c.1836C>T on transcript NM_015450.3 (MANE Select); coding-DNA position 1836, C replaced by T.
Protein change: p.Val612=; no amino-acid change (valine 612 retained).
Molecular consequence: synonymous variant. On other transcripts: non-coding transcript variant (3).
Genome position (GRCh38, 1-based): chr7:124,824,031, G>A on the plus strand (C>T on the coding strand, the complement: POT1 is on the minus strand). VCF-style: chr7-124824031-G-A. GRCh37 (hg19) VCF-style: chr7-124464085-G-A.
Other names: c.1443C>T, p.Val481= (NM_001042594.2); c.1836C>T (NM_015450.2).
Identifiers: ClinVar variation 2198069 (VCV002198069.6), dbSNP rs1487337443, ClinGen allele CA457469171.